The following is an entry in ClinVar:

ClinVar aggregate classification (germline): Conflicting classifications of pathogenicity. Review status: criteria provided, conflicting classifications (1 of 4 stars). 4 submissions from 4 submitters: Uncertain significance (1); Benign (1); Likely benign (2). Last evaluated 2026-06-01.

Conditions:
Cockayne syndrome type 1. Also called: Cockayne syndrome type I; Cockayne syndrome classical; Cockayne syndrome classic form. Identifiers: Orphanet 191, Orphanet 90321, MedGen C0751039, MONDO:0019569, OMIM 216400.

Allele frequency attached by ClinVar (database versions not stated): TOPMed 0.00018; ESP Exome Variant Server 0.00031; gnomAD 0.00032.
gnomAD v4.1: 284 of 1,613,194 alleles (0.018%); highest among the groups gnomAD compares: Non-Finnish European, 0.02%; no homozygotes.

Submissions (4):

CeGaT Center for Human Genetics Tuebingen
Classification: Likely benign. Last evaluated: 2026-06-01. Review status: criteria provided, single submitter. Criteria: CeGaT Center For Human Genetics Tuebingen Variant Classification Criteria Version 2. Collection method: clinical testing. Allele origin: germline. Affected: yes. Observed: 1 variant allele.
Comment: ERCC8: BP4, BP7

Labcorp Genetics (formerly Invitae), Labcorp
Classification: Likely benign. Last evaluated: 2026-01-26. Review status: criteria provided, single submitter. Criteria: Invitae Variant Classification Sherloc (09022015). Collection method: clinical testing. Allele origin: germline.

Laboratory of Genetics, Children's Clinical University Hospital Latvia
Classification: Benign. Last evaluated: 2025-02-16. Review status: criteria provided, single submitter. Criteria: ACMG Guidelines, 2015. Collection method: clinical testing. Allele origin: germline. Affected: yes.

Illumina Laboratory Services, Illumina
Classification: Uncertain significance for Cockayne syndrome type 1. Last evaluated: 2018-01-12. Review status: criteria provided, single submitter. Criteria: ICSL Variant Classification Criteria 13 December 2019. Collection method: clinical testing. Allele origin: germline.

NM_000082.4(ERCC8):c.1023A>G (p.Val341=)

Gene: ERCC8 (ERCC excision repair 8, CSA ubiquitin ligase complex subunit; minus strand). Cytogenetic location: 5q12.1.
Variant type: single nucleotide variant.
Coding change: c.1023A>G on transcript NM_000082.4 (MANE Select); coding-DNA position 1023, A replaced by G.
Protein change: p.Val341=; no amino-acid change (valine 341 retained).
Molecular consequence: synonymous variant.
Genome position (GRCh38, 1-based): chr5:60,890,907, T>C on the plus strand (A>G on the coding strand, the complement: ERCC8 is on the minus strand). VCF-style: chr5-60890907-T-C. GRCh37 (hg19) VCF-style: chr5-60186734-T-C.
Other names: c.849A>G, p.Val283= (NM_001007233.3); c.564A>G, p.Val188= (NM_001290285.2).
Identifiers: ClinVar variation 765809 (VCV000765809.17), dbSNP rs138173863, ClinGen allele CA3277658.
Genomic context (GRCh38, chr5:60,890,907, plus strand): 5'-AGCTAGCTAGCTGAACATTTTAAATTCCTGTATCACTCTTACCTGGAAATTTGACTGAAA[T>C]ACACAGCAGTCAACAGTTTTATAATGTCCCTTAAGCATAGTTATCTGTTCTCCTGAGTAA-3'
Protein context (NP_000073.1, residues 331-351): KGHYKTVDCC[Val341=]FQSNFQELYS